The following is an entry in ClinVar:

NM_201384.3(PLEC):c.10337C>T (p.Ser3446Phe)

Gene: PLEC (plectin; minus strand). Cytogenetic location: 8q24.3.
Variant type: single nucleotide variant.
Coding change: c.10337C>T on transcript NM_201384.3 (MANE Select); coding-DNA position 10337, C replaced by T.
Protein change: p.Ser3446Phe; replaces serine 3446 with phenylalanine.
Molecular consequence: missense variant.
Genome position (GRCh38, 1-based): chr8:143,919,484, G>A on the plus strand (C>T on the coding strand, the complement: PLEC is on the minus strand). VCF-style: chr8-143919484-G-A. GRCh37 (hg19) VCF-style: chr8-144993652-G-A.
Other names: c.10418C>T, p.Ser3473Phe (NM_000445.5); c.7037C>T, p.Ser2346Phe (NM_001410941.1); c.10295C>T, p.Ser3432Phe (NM_201378.4); c.10271C>T, p.Ser3424Phe (NM_201379.3); c.10748C>T, p.Ser3583Phe (NM_201380.4); c.10241C>T, p.Ser3414Phe (NM_201381.3); c.10337C>T, p.Ser3446Phe (NM_201382.4); c.10349C>T, p.Ser3450Phe (NM_201383.3); short protein forms S2346F, S3432F, S3446F, S3473F, S3583F, S3450F, S3414F, S3424F.
Identifiers: ClinVar variation 2153875 (VCV002153875.4), dbSNP rs781812503, ClinGen allele CA4924680.

ClinVar aggregate classification (germline): Uncertain significance (1 of 4 stars; one submission).

Conditions:
Epidermolysis bullosa simplex with nail dystrophy (EBS5D). Identifiers: MedGen C4225309, MONDO:0014661, OMIM 616487.
Epidermolysis bullosa simplex 5B, with muscular dystrophy (EBS5B). Also called: EPIDERMOLYSIS BULLOSA SIMPLEX AND LIMB-GIRDLE MUSCULAR DYSTROPHY; Epidermolysis bullosa simplex with muscular dystrophy. Identifiers: Orphanet 257, MedGen C2931072, MONDO:0009181, OMIM 226670.
Epidermolysis bullosa simplex, Ogna type (EBS5A). Also called: Pidermolysis bullosa simplex 5A, Ogna type; EPIDERMOLYSIS BULLOSA SIMPLEX 5A, OGNA TYPE. Identifiers: Orphanet 79401, MedGen C0432317, MONDO:0007555, OMIM 131950.
Autosomal recessive limb-girdle muscular dystrophy type 2Q (LGMDR17). Also called: MUSCULAR DYSTROPHY, LIMB-GIRDLE, AUTOSOMAL RECESSIVE 17. Identifiers: Orphanet 254361, MedGen C3150989, MONDO:0013390, OMIM 613723.
Epidermolysis bullosa simplex 5C, with pyloric atresia (EBS5C). Also called: Epidermolysis bullosa simplex with pyloric atresia; PLEC-Related Epidermolysis Bullosa with Pyloric Atresia; PLEC1-Related Epidermolysis Bullosa with Pyloric Atresia. Identifiers: Orphanet 158684, MedGen C2677349, MONDO:0012807, OMIM 612138.

Allele frequency attached by ClinVar (database versions not stated): ExAC 0.00001.
gnomAD v4.1: 1 of 1,613,214 alleles (0.000062%); no homozygotes.

Submission:

Labcorp Genetics (formerly Invitae), Labcorp
Classification: Uncertain significance for Autosomal recessive limb-girdle muscular dystrophy type 2Q; Epidermolysis bullosa simplex, Ogna type; Epidermolysis bullosa simplex with nail dystrophy; Epidermolysis bullosa simplex 5C, with pyloric atresia; Epidermolysis bullosa simplex 5B, with muscular dystrophy. Last evaluated: 2022-09-06. Review status: criteria provided, single submitter. Criteria: Invitae Variant Classification Sherloc (09022015). Collection method: clinical testing. Allele origin: germline.
Comment: This sequence change replaces serine, which is neutral and polar, with phenylalanine, which is neutral and non-polar, at codon 3473 of the PLEC protein (p.Ser3473Phe). This variant is present in population databases (rs781812503, gnomAD 0.0009%). This variant has not been reported in the literature in individuals affected with PLEC-related conditions. Algorithms developed to predict the effect of missense changes on protein structure and function (SIFT, PolyPhen-2, Align-GVGD) all suggest that this variant is likely to be disruptive. In summary, the available evidence is currently insufficient to determine the role of this variant in disease. Therefore, it has been classified as a Variant of Uncertain Significance.